The following is an entry in ClinVar:

NM_004614.5(TK2):c.539-20A>G

Gene: TK2 (thymidine kinase 2; minus strand). Cytogenetic location: 16q21.
Variant type: single nucleotide variant.
Coding change: c.539-20A>G on transcript NM_004614.5 (MANE Select); 20 bases into the intron before coding-DNA position 539, A replaced by G.
Molecular consequence: intron variant.
Genome position (GRCh38, 1-based): chr16:66,517,235, T>C on the plus strand (A>G on the coding strand, the complement: TK2 is on the minus strand). VCF-style: chr16-66517235-T-C. GRCh37 (hg19) VCF-style: chr16-66551138-T-C.
Other names: c.357-3424A>G (NM_001271935.1); c.446-20A>G (NM_001172643.1); c.464-20A>G (NM_001172644.2); c.485-20A>G (NM_001172645.2); c.392-20A>G (NM_001271934.2); c.248-20A>G (NM_001272050.2).
Identifiers: ClinVar variation 137662 (VCV000137662.10), dbSNP rs146833395, ClinGen allele CA291315.
Genomic context (GRCh38, chr16:66,517,235, plus strand): 5'-TAACCTCTGGTAACAAGTCTCAGGATTGGTCCGAAGGTAAACTGAGGTTAAAAGAATACG[T>C]GGCTCTCAGGACTCTGCTCATGGCTTGGAAGCAAAGCAGGCACACAGGCAAAGGCGGGAG-3'

ClinVar aggregate classification (germline): Benign. Review status: criteria provided, multiple submitters, no conflicts (2 of 4 stars). 4 submissions from 4 submitters: Benign (4). Last evaluated 2026-02-02.

Allele frequency attached by ClinVar (database versions not stated): gnomAD exomes 0.00077 and 0.00191; ExAC 0.00222; 1000 Genomes Project 0.00599; 1000 Genomes Project 30x 0.00625; gnomAD 0.00761 and 0.00826; ESP Exome Variant Server 0.00908; TOPMed 0.00923.
gnomAD v4.1: 2,364 of 1,609,722 alleles (0.15%); highest among the groups gnomAD compares: African/African-American, 2.7%; 28 homozygotes.

Submissions (4):

Labcorp Genetics (formerly Invitae), Labcorp
Classification: Benign. Last evaluated: 2026-02-02. Review status: criteria provided, single submitter. Criteria: Invitae Variant Classification Sherloc (09022015). Collection method: clinical testing. Allele origin: germline.

GeneDx
Classification: Benign. Last evaluated: 2011-07-11. Review status: criteria provided, single submitter. Criteria: GeneDx Variant Classification (06012015). Collection method: clinical testing. Allele origin: germline. Affected: yes.
Comment: This variant is considered likely benign or benign based on one or more of the following criteria: it is a conservative change, it occurs at a poorly conserved position in the protein, it is predicted to be benign by multiple in silico algorithms, and/or has population frequency not consistent with disease.

Breakthrough Genomics
Classification: Benign. Review status: criteria provided, single submitter. Criteria: ACMG Guidelines, 2015. Collection method: not provided. Allele origin: germline. Inheritance: Autosomal recessive inheritance. Affected: yes.

PreventionGenetics, part of Exact Sciences
Classification: Benign. Review status: criteria provided, single submitter. Criteria: ACMG Guidelines, 2015. Collection method: clinical testing. Allele origin: germline.